The following is an entry in ClinVar:

NM_000075.4(CDK4):c.426G>T (p.Lys142Asn)

Gene: CDK4 (cyclin dependent kinase 4; minus strand). Cytogenetic location: 12q14.1.
Variant type: single nucleotide variant.
Coding change: c.426G>T on transcript NM_000075.4 (MANE Select); coding-DNA position 426, G replaced by T.
Protein change: p.Lys142Asn; replaces lysine 142 with asparagine.
Molecular consequence: missense variant.
Genome position (GRCh38, 1-based): chr12:57,751,019, C>A on the plus strand (G>T on the coding strand, the complement: CDK4 is on the minus strand). VCF-style: chr12-57751019-C-A. GRCh37 (hg19) VCF-style: chr12-58144802-C-A.
Other names: short protein forms K142N.
Identifiers: ClinVar variation 1739250 (VCV001739250.2), dbSNP rs2140386580, ClinGen allele CA385546606.

ClinVar aggregate classification (germline): Uncertain significance (1 of 4 stars; one submission).

Conditions:
Hereditary cancer-predisposing syndrome. Also called: Hereditary Cancer Syndrome; Hereditary neoplastic syndrome; Neoplastic Syndromes, Hereditary; Tumor predisposition. Identifiers: Orphanet 140162, MedGen C0027672, MeSH D009386, MONDO:0015356.

Submission:

Ambry Genetics
Classification: Uncertain significance for Hereditary cancer-predisposing syndrome. Last evaluated: 2021-01-29. Review status: criteria provided, single submitter. Criteria: Ambry Variant Classification Scheme 2023. Collection method: clinical testing. Allele origin: germline.
Comment: The p.K142N variant (also known as c.426G>T), located in coding exon 3 of the CDK4 gene, results from a G to T substitution at nucleotide position 426. The lysine at codon 142 is replaced by asparagine, an amino acid with similar properties. This amino acid position is highly conserved in available vertebrate species. In addition, the in silico prediction for this alteration is inconclusive. Since supporting evidence is limited at this time, the clinical significance of this alteration remains unclear.